The following is an entry in ClinVar:

NM_004444.5(EPHB4):c.428C>T (p.Ala143Val)

Gene: EPHB4 (EPH receptor B4; minus strand). Cytogenetic location: 7q22.1.
Variant type: single nucleotide variant.
Coding change: c.428C>T on transcript NM_004444.5 (MANE Select); coding-DNA position 428, C replaced by T.
Protein change: p.Ala143Val; replaces alanine 143 with valine.
Molecular consequence: missense variant.
Genome position (GRCh38, 1-based): chr7:100,822,651, G>A on the plus strand (C>T on the coding strand, the complement: EPHB4 is on the minus strand). VCF-style: chr7-100822651-G-A. GRCh37 (hg19) VCF-style: chr7-100420273-G-A.
Other names: c.428C>T (NM_004444.4); short protein forms A143V.
Identifiers: ClinVar variation 3014678 (VCV003014678.4), dbSNP rs767324545, ClinGen allele CA4393282.
Genomic context (GRCh38, chr7:100,822,651, plus strand): 5'-GTCTTGACATTCACCTTCCCGGTGGCCTCGGCCCCAGGGCGCTTCCGGGTGAGATGCTCC[G>A]CGGCCACCGTGTCCACCTGCCGGCGGGGGGGAGGCACACCGCTGCTGTCCCCACTCCCTG-3'
Protein context (NP_004435.3, residues 133-153): NPYIKVDTVA[Ala143Val]EHLTRKRPGA

ClinVar aggregate classification (germline): Conflicting classifications of pathogenicity. Review status: criteria provided, conflicting classifications (1 of 4 stars). 2 submissions from 2 submitters: Uncertain significance (1); Likely benign (1). Last evaluated 2025-10-21.

Conditions:
Cardiovascular phenotype. Identifiers: MedGen CN230736.

Allele frequency attached by ClinVar (database versions not stated): gnomAD exomes 0.00001; gnomAD 0.00001; ExAC 0.00005; TOPMed below 0.00001.
gnomAD v4.1: 13 of 1,579,686 alleles (0.00082%); highest among the groups gnomAD compares: African/African-American, 0.004%; no homozygotes.

Submissions (2):

Labcorp Genetics (formerly Invitae), Labcorp
Classification: Uncertain significance. Last evaluated: 2025-10-21. Review status: criteria provided, single submitter. Criteria: Invitae Variant Classification Sherloc (09022015). Collection method: clinical testing. Allele origin: germline.
Comment: This sequence change replaces alanine, which is neutral and non-polar, with valine, which is neutral and non-polar, at codon 143 of the EPHB4 protein (p.Ala143Val). The frequency data for this variant in the population databases is considered unreliable, as metrics indicate poor data quality at this position in the gnomAD database. This variant has not been reported in the literature in individuals affected with EPHB4-related conditions. ClinVar contains an entry for this variant (Variation ID: 3014678). Invitae Evidence Modeling of protein sequence and biophysical properties (such as structural, functional, and spatial information, amino acid conservation, physicochemical variation, residue mobility, and thermodynamic stability) has been performed for this missense variant. However, the output from this modeling did not meet the statistical confidence thresholds required to predict the impact of this variant on EPHB4 protein function. In summary, the available evidence is currently insufficient to determine the role of this variant in disease. Therefore, it has been classified as a Variant of Uncertain Significance.

Ambry Genetics
Classification: Likely benign for Cardiovascular phenotype. Last evaluated: 2023-12-12. Review status: criteria provided, single submitter. Criteria: Ambry Variant Classification Scheme 2023. Collection method: clinical testing. Allele origin: germline.